The following is an entry in ClinVar:

NM_001037165.2(FOXK1):c.2080G>A (p.Ala694Thr)

Gene: FOXK1 (forkhead box K1; plus strand). Cytogenetic location: 7p22.1.
Variant type: single nucleotide variant.
Coding change: c.2080G>A on transcript NM_001037165.2 (MANE Select); coding-DNA position 2080, G replaced by A.
Protein change: p.Ala694Thr; replaces alanine 694 with threonine.
Molecular consequence: missense variant.
Genome position (GRCh38, 1-based): chr7:4,762,342, G>A. VCF-style: chr7-4762342-G-A. GRCh37 (hg19) VCF-style: chr7-4801973-G-A.
Other names: short protein forms A694T.
Identifiers: ClinVar variation 2657258 (VCV002657258.24), dbSNP rs15715, ClinGen allele CA4136945.

ClinVar aggregate classification (germline): Benign (1 of 4 stars; one submission).

Allele frequency attached by ClinVar (database versions not stated): 1000 Genomes Project 30x 0.00297; 1000 Genomes Project 0.00300; gnomAD 0.00472; ESP Exome Variant Server 0.00520; TOPMed 0.00527; ExAC 0.00662.
gnomAD v4.1: 8,794 of 1,550,842 alleles (0.57%); highest among the groups gnomAD compares: Middle Eastern, 0.59%; 55 homozygotes.

Submission:

CeGaT Center for Human Genetics Tuebingen
Classification: Benign. Last evaluated: 2024-02-01. Review status: criteria provided, single submitter. Criteria: CeGaT Center For Human Genetics Tuebingen Variant Classification Criteria Version 2. Collection method: clinical testing. Allele origin: germline. Affected: yes. Observed: 2 variant alleles.
Comment: FOXK1: BS1, BS2